The following is an entry in ClinVar:

NM_006231.4(POLE):c.6016G>A (p.Ala2006Thr)

Gene: POLE (DNA polymerase epsilon, catalytic subunit; minus strand). Cytogenetic location: 12q24.33.
Variant type: single nucleotide variant.
Coding change: c.6016G>A on transcript NM_006231.4 (MANE Select); coding-DNA position 6016, G replaced by A.
Protein change: p.Ala2006Thr; replaces alanine 2006 with threonine.
Molecular consequence: missense variant.
Genome position (GRCh38, 1-based): chr12:132,632,784, C>T on the plus strand (G>A on the coding strand, the complement: POLE is on the minus strand). VCF-style: chr12-132632784-C-T. GRCh37 (hg19) VCF-style: chr12-133209370-C-T.
Other names: short protein forms A2006T.
Identifiers: ClinVar variation 2447946 (VCV002447946.2), dbSNP rs1328375671, ClinGen allele CA387370901.

ClinVar aggregate classification (germline): Uncertain significance (1 of 4 stars; one submission).

Conditions:
Hereditary cancer-predisposing syndrome. Also called: Neoplastic Syndromes, Hereditary; Hereditary Cancer Syndrome; Tumor predisposition; Hereditary neoplastic syndrome. Identifiers: Orphanet 140162, MedGen C0027672, MeSH D009386, MONDO:0015356.

Submission:

Ambry Genetics
Classification: Uncertain significance for Hereditary cancer-predisposing syndrome. Last evaluated: 2023-02-15. Review status: criteria provided, single submitter. Criteria: Ambry Variant Classification Scheme 2023. Collection method: clinical testing. Allele origin: germline.
Comment: The p.A2006T variant (also known as c.6016G>A), located in coding exon 44 of the POLE gene, results from a G to A substitution at nucleotide position 6016. The alanine at codon 2006 is replaced by threonine, an amino acid with similar properties. This amino acid position is conserved. In addition, the in silico prediction for this alteration is inconclusive. Since supporting evidence is limited at this time, the clinical significance of this alteration remains unclear.